The following is an entry in ClinVar:

ClinVar aggregate classification (germline): Uncertain significance (1 of 4 stars; one submission).

Conditions:
Inborn genetic diseases. Identifiers: MedGen C0950123, MeSH D030342.

gnomAD v4.1: 2 of 1,614,242 alleles (0.00012%); highest among the groups gnomAD compares: Non-Finnish European, 0.00017%; no homozygotes.

Submission:

Ambry Genetics
Classification: Uncertain significance for Inborn genetic diseases. Last evaluated: 2025-07-15. Review status: criteria provided, single submitter. Criteria: Ambry Variant Classification Scheme 2023. Collection method: clinical testing. Allele origin: germline.
Comment: The p.K125E variant (also known as c.373A>G), located in coding exon 4 of the ETV6 gene, results from an A to G substitution at nucleotide position 373. The lysine at codon 125 is replaced by glutamic acid, an amino acid with similar properties. This amino acid position is highly conserved in available vertebrate species. In addition, this alteration is predicted to be tolerated by in silico analysis. Based on the available evidence, the clinical significance of this variant remains unclear.

NM_001987.5(ETV6):c.373A>G (p.Lys125Glu)

Gene: ETV6 (ETS variant transcription factor 6; plus strand). Cytogenetic location: 12p13.2.
Variant type: single nucleotide variant.
Coding change: c.373A>G on transcript NM_001987.5 (MANE Select); coding-DNA position 373, A replaced by G.
Protein change: p.Lys125Glu; replaces lysine 125 with glutamic acid.
Molecular consequence: missense variant.
Genome position (GRCh38, 1-based): chr12:11,853,471, A>G. VCF-style: chr12-11853471-A-G. GRCh37 (hg19) VCF-style: chr12-12006405-A-G.
Other names: c.370A>G, p.Lys124Glu (NM_001413913.1); c.346A>G, p.Lys116Glu (NM_001413914.1); c.109A>G, p.Lys37Glu (NM_001413915.1); c.373A>G, p.Lys125Glu (NM_001413916.1, NM_001413917.1); short protein forms K116E, K124E, K125E, K37E.
Identifiers: ClinVar variation 4251425 (VCV004251425.1).